The following is an entry in ClinVar:

NM_153460.4(IL17RC):c.635T>A (p.Leu212His)

Gene: IL17RC (interleukin 17 receptor C; plus strand). Cytogenetic location: 3p25.3.
Variant type: single nucleotide variant.
Coding change: c.635T>A on transcript NM_153460.4 (MANE Select); coding-DNA position 635, T replaced by A.
Protein change: p.Leu212His; replaces leucine 212 with histidine.
Molecular consequence: missense variant. On other transcripts: non-coding transcript variant (1).
Genome position (GRCh38, 1-based): chr3:9,923,893, T>A. VCF-style: chr3-9923893-T-A. GRCh37 (hg19) VCF-style: chr3-9965577-T-A.
Other names: c.590T>A, p.Leu197His (NM_032732.6, NM_001203265.2, NM_001367280.1 and 1 more transcripts); c.848T>A, p.Leu283His (NM_153461.4); c.635T>A, p.Leu212His (NM_001203263.2, NM_001203264.2, NM_001367278.1); c.515T>A, p.Leu172His (NM_001367279.1); short protein forms L283H, L172H, L197H, L212H.
Identifiers: ClinVar variation 1959765 (VCV001959765.5), dbSNP rs1335081005, ClinGen allele CA351759367.

ClinVar aggregate classification (germline): Uncertain significance (1 of 4 stars; one submission).

Conditions:
Candidiasis, familial, 9 (CANDF9). Identifiers: Orphanet 1334, MedGen C4225324, MONDO:0014642, OMIM 616445.

Allele frequency attached by ClinVar (database versions not stated): gnomAD 0.00001; gnomAD exomes 0.00001.
gnomAD v4.1: 15 of 1,613,928 alleles (0.00093%); highest among the groups gnomAD compares: Admixed American, 0.0067%; no homozygotes.

Submission:

Labcorp Genetics (formerly Invitae), Labcorp
Classification: Uncertain significance for Candidiasis, familial, 9. Last evaluated: 2024-11-04. Review status: criteria provided, single submitter. Criteria: Invitae Variant Classification Sherloc (09022015). Collection method: clinical testing. Allele origin: germline.
Comment: This sequence change replaces leucine, which is neutral and non-polar, with histidine, which is basic and polar, at codon 283 of the IL17RC protein (p.Leu283His). This variant is present in population databases (no rsID available, gnomAD 0.003%). This variant has not been reported in the literature in individuals affected with IL17RC-related conditions. ClinVar contains an entry for this variant (Variation ID: 1959765). An algorithm developed to predict the effect of missense changes on protein structure and function (PolyPhen-2) suggests that this variant is likely to be disruptive. In summary, the available evidence is currently insufficient to determine the role of this variant in disease. Therefore, it has been classified as a Variant of Uncertain Significance.